The following is an entry in ClinVar:

NM_152515.5(CKAP2L):c.1163C>T (p.Ser388Leu)

Gene: CKAP2L (cytoskeleton associated protein 2 like; minus strand). Cytogenetic location: 2q14.1.
Variant type: single nucleotide variant.
Coding change: c.1163C>T on transcript NM_152515.5 (MANE Select); coding-DNA position 1163, C replaced by T.
Protein change: p.Ser388Leu; replaces serine 388 with leucine.
Molecular consequence: missense variant.
Genome position (GRCh38, 1-based): chr2:112,756,208, G>A on the plus strand (C>T on the coding strand, the complement: CKAP2L is on the minus strand). VCF-style: chr2-112756208-G-A. GRCh37 (hg19) VCF-style: chr2-113513785-G-A.
Other names: c.668C>T, p.Ser223Leu (NM_001304361.2); short protein forms S223L, S388L.
Identifiers: ClinVar variation 2046532 (VCV002046532.5), dbSNP rs563147561, ClinGen allele CA1836711.

ClinVar aggregate classification (germline): Uncertain significance. Review status: criteria provided, multiple submitters, no conflicts (2 of 4 stars). 2 submissions from 2 submitters: Uncertain significance (2). Last evaluated 2021-12-27.

Conditions:
Inborn genetic diseases. Identifiers: MedGen C0950123, MeSH D030342.

Allele frequency attached by ClinVar (database versions not stated): 1000 Genomes Project 30x 0.00016; TOPMed 0.00005; 1000 Genomes Project 0.00020; ExAC 0.00002; gnomAD 0.00005.

Submissions (2):

Labcorp Genetics (formerly Invitae), Labcorp
Classification: Uncertain significance. Last evaluated: 2021-12-27. Review status: criteria provided, single submitter. Criteria: Invitae Variant Classification Sherloc (09022015). Collection method: clinical testing. Allele origin: germline.
Comment: This variant is present in population databases (rs563147561, gnomAD 0.01%). This sequence change replaces serine, which is neutral and polar, with leucine, which is neutral and non-polar, at codon 388 of the CKAP2L protein (p.Ser388Leu). This variant has not been reported in the literature in individuals affected with CKAP2L-related conditions. Algorithms developed to predict the effect of missense changes on protein structure and function are either unavailable or do not agree on the potential impact of this missense change (SIFT: "Tolerated"; PolyPhen-2: "Possibly Damaging"; Align-GVGD: "Class C0"). In summary, the available evidence is currently insufficient to determine the role of this variant in disease. Therefore, it has been classified as a Variant of Uncertain Significance.

Ambry Genetics
Classification: Uncertain significance for Inborn genetic diseases. Last evaluated: 2020-12-15. Review status: criteria provided, single submitter. Criteria: Ambry Variant Classification Scheme 2023. Collection method: clinical testing. Allele origin: germline.
Comment: The c.1163C>T (p.S388L) alteration is located in exon 4 (coding exon 4) of the CKAP2L gene. This alteration results from a C to T substitution at nucleotide position 1163, causing the serine (S) at amino acid position 388 to be replaced by a leucine (L). The p.S388L alteration is predicted to be tolerated by in silico analysis. Based on insufficient or conflicting evidence, the clinical significance of this alteration remains unclear.